The following is an entry in ClinVar:

ClinVar aggregate classification (germline): Uncertain significance (1 of 4 stars; one submission).

Conditions:
RFT1-congenital disorder of glycosylation (CDG1N). Also called: RFT1-CDG; CDG In; Congenital disorder of glycosylation type In. Identifiers: Orphanet 244310, MedGen C2677590, MONDO:0012783, OMIM 612015.

Submission:

Labcorp Genetics (formerly Invitae), Labcorp
Classification: Uncertain significance for RFT1-congenital disorder of glycosylation. Last evaluated: 2022-08-16. Review status: criteria provided, single submitter. Criteria: Invitae Variant Classification Sherloc (09022015). Collection method: clinical testing. Allele origin: germline.
Comment: This sequence change replaces leucine, which is neutral and non-polar, with phenylalanine, which is neutral and non-polar, at codon 472 of the RFT1 protein (p.Leu472Phe). Information on the frequency of this variant in the gnomAD database is not available, as this variant may be reported differently in the database. This variant has not been reported in the literature in individuals affected with RFT1-related conditions. Experimental studies and prediction algorithms are not available or were not evaluated, and the functional significance of this variant is currently unknown. In summary, the available evidence is currently insufficient to determine the role of this variant in disease. Therefore, it has been classified as a Variant of Uncertain Significance.

NM_052859.4(RFT1):c.1413_1414delinsTT (p.Leu472Phe)

Gene: RFT1 (RFT1 glycolipid translocator homolog; minus strand). Cytogenetic location: 3p21.1.
Variant type: Indel.
Coding change: c.1413_1414delinsTT on transcript NM_052859.4 (MANE Select); coding-DNA positions 1413 to 1414, GC replaced by TT.
Protein change: p.Leu472Phe; replaces leucine 472 with phenylalanine.
Molecular consequence: missense variant.
Genome position (GRCh38, 1-based): chr3:53,092,413-53,092,414, GC replaced by AA on the plus strand (GC replaced by TT on the coding strand, the reverse complement: RFT1 is on the minus strand). VCF-style: chr3-53092413-GC-AA. GRCh37 (hg19) VCF-style: chr3-53126429-GC-AA.
Other names: short protein forms L472F.
Identifiers: ClinVar variation 1716559 (VCV001716559.5), dbSNP rs2470937499, ClinGen allele CA2580070234.